The following is an entry in ClinVar:

NM_000444.6(PHEX):c.1685dup (p.Thr563fs)

Genes: PTCHD1-AS (PTCHD1 and PHEX antisense RNA; minus strand), PHEX (phosphate regulating endopeptidase X-linked; plus strand). Cytogenetic location: Xp22.11.
Variant type: Duplication.
Coding change: c.1685dup on transcript NM_000444.6 (MANE Select); coding-DNA position 1685, one base duplicated (G; older notation c.1685dupG).
Protein change: p.Thr563fs; shifts the reading frame from threonine 563.
Molecular consequence: frameshift variant.
Genome position (GRCh38, 1-based): chrX:22,212,943, G duplicated; the last of 4 consecutive G bases (chrX:22,212,940-22,212,943); duplicating any one gives the same sequence. VCF-style (leftmost placement, unchanged base first): chrX-22212939-T-TG. GRCh37 (hg19) VCF-style: chrX-22231056-T-TG.
Other names: c.1685dup, p.Thr563fs (NM_001282754.2); short protein forms T563fs.
Identifiers: ClinVar variation 280670 (VCV000280670.7), dbSNP rs886041837, ClinGen allele CA10603447.

ClinVar aggregate classification (germline): Pathogenic. Review status: criteria provided, multiple submitters, no conflicts (2 of 4 stars). 3 submissions from 3 submitters: Pathogenic (3). Last evaluated 2021-12-02.

Conditions:
PHEX-related disorder. Also called: PHEX-related condition.

Submissions (3):

Labcorp Genetics (formerly Invitae), Labcorp
Classification: Pathogenic. Last evaluated: 2021-12-02. Review status: criteria provided, single submitter. Criteria: Invitae Variant Classification Sherloc (09022015). Collection method: clinical testing. Allele origin: germline.
Comment: This sequence change creates a premature translational stop signal (p.Thr563Asnfs*19) in the PHEX gene. It is expected to result in an absent or disrupted protein product. Loss-of-function variants in PHEX are known to be pathogenic (PMID: 9097956, 9106524, 19219621). This variant is not present in population databases (gnomAD no frequency). For these reasons, this variant has been classified as Pathogenic. ClinVar contains an entry for this variant (Variation ID: 280670). This variant has not been reported in the literature in individuals affected with PHEX-related conditions.

Blueprint Genetics
Classification: Pathogenic for PHEX-related disorders. Last evaluated: 2021-03-22. Review status: criteria provided, single submitter. Criteria: ACMG Guidelines, 2015. Collection method: clinical testing. Allele origin: germline. Affected: yes. Observed: 3 variant alleles.

GeneDx
Classification: Pathogenic. Last evaluated: 2016-07-05. Review status: criteria provided, single submitter. Criteria: GeneDx Variant Classification (06012015). Collection method: clinical testing. Allele origin: germline. Affected: yes.
Comment: The c.1685dupG pathogenic variant in the PHEX gene causes a frameshift starting with codon Threonine 563, changes this amino acid to an Asparagine residue and creates a premature Stop codon at position 19 of the new reading frame, denoted p.Thr563AsnfsX19. This pathogenic variant is predicted to cause loss of normal protein function either through protein truncation or nonsense-mediated mRNA decay. The variant was not observed in approximately 6,500 individuals of European and African American ancestry in the NHLBI Exome Sequencing Project, indicating it is not a common benign variant in these populations.

Literature cited by the submitters: PubMed 9097956 (cited by Labcorp Genetics (formerly Invitae), Labcorp); PubMed 9106524 (cited by Labcorp Genetics (formerly Invitae), Labcorp); PubMed 19219621 (cited by Labcorp Genetics (formerly Invitae), Labcorp).